The following is an entry in ClinVar:

ClinVar aggregate classification (germline): Conflicting classifications of pathogenicity. Review status: criteria provided, conflicting classifications (1 of 4 stars). 2 submissions from 2 submitters: Uncertain significance (1); Benign (1). Last evaluated 2025-01-29.

Conditions:
Hyperalphalipoproteinemia 1 (HALP1). Also called: CETP-Related Hyperalphalipoproteinemia; CETP DEFICIENCY. Identifiers: MedGen C3149462, OMIM 143470.

Allele frequency attached by ClinVar (database versions not stated): ExAC 0.00007; gnomAD 0.00009; gnomAD exomes 0.00009; TOPMed 0.00009; ESP Exome Variant Server 0.00015.
gnomAD v4.1: 212 of 1,614,042 alleles (0.013%); highest among the groups gnomAD compares: Non-Finnish European, 0.017%; no homozygotes.

Submissions (2):

Labcorp Genetics (formerly Invitae), Labcorp
Classification: Uncertain significance. Last evaluated: 2025-01-29. Review status: criteria provided, single submitter. Criteria: Invitae Variant Classification Sherloc (09022015). Collection method: clinical testing. Allele origin: germline.
Comment: This sequence change replaces glycine, which is neutral and non-polar, with valine, which is neutral and non-polar, at codon 251 of the CETP protein (p.Gly251Val). This variant is present in population databases (rs144460063, gnomAD 0.02%). This missense change has been observed in individual(s) with dyslipidemia (PMID: 32041611). ClinVar contains an entry for this variant (Variation ID: 886620). An algorithm developed to predict the effect of missense changes on protein structure and function (PolyPhen-2) suggests that this variant is likely to be disruptive. In summary, the available evidence is currently insufficient to determine the role of this variant in disease. Therefore, it has been classified as a Variant of Uncertain Significance.

Illumina Laboratory Services, Illumina
Classification: Benign for Hyperalphalipoproteinemia 1. Last evaluated: 2017-04-27. Review status: criteria provided, single submitter. Criteria: ICSL Variant Classification Criteria 13 December 2019. Collection method: clinical testing. Allele origin: germline.
Comment: This variant was observed as part of a predisposition screen in an ostensibly healthy population. A literature search was performed for the gene, cDNA change, and amino acid change (where applicable). Publications were found based on this search. The evidence from the literature, in combination with allele frequency data from public databases where available, was sufficient to rule this variant out of causing disease. Therefore, this variant is classified as benign.

Literature cited by the submitters: PubMed 32041611 (cited by Labcorp Genetics (formerly Invitae), Labcorp); PubMed 24497850 (cited by Illumina Laboratory Services, Illumina); PubMed 25201589 (cited by Illumina Laboratory Services, Illumina).

NM_000078.3(CETP):c.752G>T (p.Gly251Val)

Gene: CETP (cholesteryl ester transfer protein; plus strand). Cytogenetic location: 16q13.
Variant type: single nucleotide variant.
Coding change: c.752G>T on transcript NM_000078.3 (MANE Select); coding-DNA position 752, G replaced by T.
Protein change: p.Gly251Val; replaces glycine 251 with valine.
Molecular consequence: missense variant. On other transcripts: intron variant (1).
Genome position (GRCh38, 1-based): chr16:56,973,332, G>T. VCF-style: chr16-56973332-G-T. GRCh37 (hg19) VCF-style: chr16-57007244-G-T.
Other names: c.750+1249G>T (NM_001286085.2); short protein forms G251V.
Identifiers: ClinVar variation 886620 (VCV000886620.6), dbSNP rs144460063, ClinGen allele CA8071090.